The following is an entry in ClinVar:

ClinVar aggregate classification (germline): Likely benign. Review status: criteria provided, multiple submitters, no conflicts (2 of 4 stars). 3 submissions from 3 submitters: Likely benign (3). Last evaluated 2025-06-09.

Conditions:
Fanconi anemia (FA). Also called: Fanconi's anemia. Identifiers: Orphanet 84, MedGen C0015625, MeSH D005199, MONDO:0019391.
Inborn genetic diseases. Identifiers: MedGen C0950123, MeSH D030342.

Allele frequency attached by ClinVar (database versions not stated): gnomAD exomes below 0.00001 and 0.00001.
gnomAD v4.1: 15 of 1,614,196 alleles (0.00093%); highest among the groups gnomAD compares: Non-Finnish European, 0.0013%; no homozygotes.

Submissions (3):

Labcorp Genetics (formerly Invitae), Labcorp
Classification: Likely benign for Fanconi anemia. Last evaluated: 2025-06-09. Review status: criteria provided, single submitter. Criteria: Invitae Variant Classification Sherloc (09022015). Collection method: clinical testing. Allele origin: germline.

Ambry Genetics
Classification: Likely benign for Inborn genetic diseases. Last evaluated: 2025-01-05. Review status: criteria provided, single submitter. Criteria: Ambry Variant Classification Scheme 2023. Collection method: clinical testing. Allele origin: germline.

CeGaT Center for Human Genetics Tuebingen
Classification: Likely benign. Last evaluated: 2024-11-01. Review status: criteria provided, single submitter. Criteria: CeGaT Center For Human Genetics Tuebingen Variant Classification Criteria Version 2. Collection method: clinical testing. Allele origin: germline. Affected: yes. Observed: 1 variant allele.
Comment: FANCA: BP4, BP7

NM_000135.4(FANCA):c.528T>C (p.Ser176=)

Gene: FANCA (FA complementation group A; minus strand). Cytogenetic location: 16q24.3.
Variant type: single nucleotide variant.
Coding change: c.528T>C on transcript NM_000135.4 (MANE Select); coding-DNA position 528, T replaced by C.
Protein change: p.Ser176=; no amino-acid change (serine 176 retained).
Molecular consequence: synonymous variant.
Genome position (GRCh38, 1-based): chr16:89,808,362, A>G on the plus strand (T>C on the coding strand, the complement: FANCA is on the minus strand). VCF-style: chr16-89808362-A-G. GRCh37 (hg19) VCF-style: chr16-89874770-A-G.
Other names: c.528T>C, p.Ser176= (NM_001018112.3, NM_001286167.3); c.432T>C, p.Ser144= (NM_001351830.2); c.528T>C (NM_000135.2).
Identifiers: ClinVar variation 1079860 (VCV001079860.24), dbSNP rs902257190, ClinGen allele CA286607467.